The following is an entry in ClinVar:

NM_015450.3(POT1):c.848_849del (p.Asn282_Ser283insTer)

Gene: POT1 (protection of telomeres 1; minus strand). Cytogenetic location: 7q31.33.
Variant type: Microsatellite.
Coding change: c.848_849del on transcript NM_015450.3 (MANE Select); coding-DNA positions 848 to 849, 2 bases deleted (CT; older notation c.848_849delCT).
Protein change: p.Asn282_Ser283insTer.
Molecular consequence: nonsense. On other transcripts: non-coding transcript variant (3).
Genome position (GRCh38, 1-based): chr7:124,852,992-124,852,993, AG deleted on the plus strand (CT on the coding strand, the reverse complement: POT1 is on the minus strand); deleting any 2 consecutive bases within chr7:124,852,992-124,852,995 gives the same sequence; the c. name uses the placement nearest the transcript's 3' end. VCF-style (leftmost placement, unchanged base first): chr7-124852991-CAG-C. GRCh37 (hg19) VCF-style: chr7-124493045-CAG-C.
Other names: c.455_456del, p.Asn151_Ser152insTer (NM_001042594.2).
Identifiers: ClinVar variation 1763542 (VCV001763542.5), dbSNP rs2485441329, ClinGen allele CA2580614255.

ClinVar aggregate classification (germline): Pathogenic. Review status: criteria provided, multiple submitters, no conflicts (2 of 4 stars). 2 submissions from 2 submitters: Pathogenic (2). Last evaluated 2023-07-20.

Conditions:
Tumor predisposition syndrome 3 (TPDS3). Also called: Melanoma, cutaneous malignant, susceptibility to, 10; Glioma susceptibility 9; LONG TELOMERE SYNDROME, POT1-RELATED; POT1 Tumor Predisposition. Identifiers: Orphanet 618, MedGen C4014476, MONDO:0014368, OMIM 615848.
Hereditary cancer-predisposing syndrome. Also called: Hereditary Cancer Syndrome; Hereditary neoplastic syndrome; Neoplastic Syndromes, Hereditary; Tumor predisposition. Identifiers: Orphanet 140162, MedGen C0027672, MeSH D009386, MONDO:0015356.

Submissions (2):

Labcorp Genetics (formerly Invitae), Labcorp
Classification: Pathogenic for Tumor predisposition syndrome 3. Last evaluated: 2023-07-20. Review status: criteria provided, single submitter. Criteria: Invitae Variant Classification Sherloc (09022015). Collection method: clinical testing. Allele origin: germline.
Comment: This sequence change creates a premature translational stop signal (p.Ser283*) in the POT1 gene. It is expected to result in an absent or disrupted protein product. Loss-of-function variants in POT1 are known to be pathogenic (PMID: 32155570). This variant is not present in population databases (gnomAD no frequency). This variant has not been reported in the literature in individuals affected with POT1-related conditions. ClinVar contains an entry for this variant (Variation ID: 1763542). For these reasons, this variant has been classified as Pathogenic.

Ambry Genetics
Classification: Pathogenic for Hereditary cancer-predisposing syndrome. Last evaluated: 2022-03-04. Review status: criteria provided, single submitter. Criteria: Ambry Variant Classification Scheme 2023. Collection method: clinical testing. Allele origin: germline.
Comment: The c.848_849delCT pathogenic mutation, located in coding exon 6 of the POT1 gene, results from a deletion of two nucleotides at nucleotide positions 848 to 849, causing a translational frameshift with a predicted alternate stop codon (p.S283*). This alteration is expected to result in loss of function by premature protein truncation or nonsense-mediated mRNA decay. As such, this alteration is interpreted as a disease-causing mutation.

Literature cited by the submitters: PubMed 32155570 (cited by Labcorp Genetics (formerly Invitae), Labcorp).